The following is an entry in ClinVar:

ClinVar aggregate classification (germline): Uncertain significance. Review status: criteria provided, multiple submitters, no conflicts (2 of 4 stars). 3 submissions from 3 submitters: Uncertain significance (3). Last evaluated 2025-04-25.

Conditions:
Meckel-Gruber syndrome. Also called: DYSENCEPHALIA SPLANCHNOCYSTICA; GRUBER SYNDROME; Dysencephalia splachnocystica. Identifiers: Orphanet 564, MedGen C0265215, MONDO:0018921.
Joubert syndrome. Also called: CEREBELLOPARENCHYMAL DISORDER IV; JOUBERT-BOLTSHAUSER SYNDROME; Familial aplasia of the vermis. Identifiers: Orphanet 475, MedGen C5979921, MONDO:0018772.
Inborn genetic diseases. Identifiers: MedGen C0950123, MeSH D030342.

Allele frequency attached by ClinVar (database versions not stated): ExAC 0.00001; gnomAD exomes 0.00001 and 0.00002; gnomAD 0.00003 and 0.00004; TOPMed 0.00003.
gnomAD v4.1: 27 of 1,613,522 alleles (0.0017%); highest among the groups gnomAD compares: Middle Eastern, 0.016%; no homozygotes.

Submissions (3):

Ambry Genetics
Classification: Uncertain significance for Inborn genetic diseases. Last evaluated: 2025-04-25. Review status: criteria provided, single submitter. Criteria: Ambry Variant Classification Scheme 2023. Collection method: clinical testing. Allele origin: germline.

Labcorp Genetics (formerly Invitae), Labcorp
Classification: Uncertain significance for Joubert syndrome; Meckel-Gruber syndrome. Last evaluated: 2022-07-24. Review status: criteria provided, single submitter. Criteria: Invitae Variant Classification Sherloc (09022015). Collection method: clinical testing. Allele origin: germline.
Comment: This sequence change replaces isoleucine, which is neutral and non-polar, with asparagine, which is neutral and polar, at codon 352 of the TCTN2 protein (p.Ile352Asn). This variant is present in population databases (rs762326056, gnomAD 0.009%). This variant has not been reported in the literature in individuals affected with TCTN2-related conditions. ClinVar contains an entry for this variant (Variation ID: 500987). Algorithms developed to predict the effect of missense changes on protein structure and function are either unavailable or do not agree on the potential impact of this missense change (SIFT: "Tolerated"; PolyPhen-2: "Possibly Damaging"; Align-GVGD: "Class C0"). In summary, the available evidence is currently insufficient to determine the role of this variant in disease. Therefore, it has been classified as a Variant of Uncertain Significance.

Eurofins Ntd Llc (ga)
Classification: Uncertain significance. Last evaluated: 2017-04-14. Review status: criteria provided, single submitter. Criteria: EGL Classification Definitions 2015. Collection method: clinical testing. Allele origin: germline. Observed: 1 variant allele, 1 heterozygote.

NM_024809.5(TCTN2):c.1055T>A (p.Ile352Asn)

Gene: TCTN2 (tectonic family member 2; plus strand). Cytogenetic location: 12q24.31.
Variant type: single nucleotide variant.
Coding change: c.1055T>A on transcript NM_024809.5 (MANE Select); coding-DNA position 1055, T replaced by A.
Protein change: p.Ile352Asn; replaces isoleucine 352 with asparagine.
Molecular consequence: missense variant.
Genome position (GRCh38, 1-based): chr12:123,692,679, T>A. VCF-style: chr12-123692679-T-A. GRCh37 (hg19) VCF-style: chr12-124177226-T-A.
Other names: c.1052T>A, p.Ile351Asn (NM_001143850.3); c.1055T>A (NM_024809.3); short protein forms I352N, I351N.
Identifiers: ClinVar variation 500987 (VCV000500987.9), dbSNP rs762326056, ClinGen allele CA6861090.